The following is an entry in ClinVar:

NM_000059.4(BRCA2):c.1754del (p.Lys585fs)

Gene: BRCA2 (BRCA2 DNA repair associated; plus strand). Cytogenetic location: 13q13.1.
Variant type: Deletion.
Coding change: c.1754del on transcript NM_000059.4 (MANE Select); coding-DNA position 1754, one base deleted (A; older notation c.1754delA).
Protein change: p.Lys585fs; shifts the reading frame from lysine 585.
Molecular consequence: frameshift variant.
Genome position (GRCh38, 1-based): chr13:32,333,232, A deleted; the last of 5 consecutive A bases (chr13:32,333,228-32,333,232); deleting any one gives the same sequence. VCF-style (leftmost placement, unchanged base first): chr13-32333227-GA-G. GRCh37 (hg19) VCF-style: chr13-32907364-GA-G.
Other names: 1982delA; c.1754delA (NM_000059.3).
Identifiers: ClinVar variation 51184 (VCV000051184.62), dbSNP rs80359301, ClinGen allele CA013071.
Genomic context (GRCh38, chr13:32,333,227, plus strand): 5'-GCCAGCCACCACCACACAGAATTCTGTAGCTTTGAAGAATGCAGGTTTAATATCCACTTT[GA>G]AAAAGAAAACAAATAAGTTTATTTATGCTATACATGATGAAACATCTTATAAAGGAAAAA-3'

ClinVar aggregate classification (germline): Pathogenic. Review status: reviewed by expert panel (3 of 4 stars). 12 submissions from 12 submitters: Pathogenic (1). 11 of the submissions do not count toward it. Last evaluated 2016-09-08.

Conditions:
Hereditary breast ovarian cancer syndrome. Also called: Hereditary breast and ovarian cancer syndrome; Hereditary breast and ovarian cancer; Hereditary breast and ovarian cancer syndrome (HBOC); Breast and ovarian cancer; Hereditary breast and/or ovarian cancer syndrome; BRCA1- and BRCA2-Associated Hereditary Breast and Ovarian Cancer. Identifiers: Orphanet 145, MedGen C0677776, MeSH D061325, MONDO:0003582. Disease mechanism: loss of function.
Hereditary cancer-predisposing syndrome. Also called: Neoplastic Syndromes, Hereditary; Tumor predisposition; Hereditary Cancer Syndrome; Hereditary neoplastic syndrome. Identifiers: Orphanet 140162, MedGen C0027672, MeSH D009386, MONDO:0015356.
Breast-ovarian cancer, familial, susceptibility to, 2 (BROVCA2). Also called: BRCA2 Hereditary Breast and Ovarian Cancer. Identifiers: Orphanet 145, MedGen C2675520, MONDO:0012933, OMIM 612555. Disease mechanism: loss of function.
Familial cancer of breast. Also called: BREAST CANCER, FAMILIAL; Hereditary breast cancer; hereditary breast carcinoma. Identifiers: Orphanet 227535, MedGen C0346153, MONDO:0016419, OMIM 114480. Disease mechanism: loss of function.

Submissions (12):

Evidence-based Network for the Interpretation of Germline Mutant Alleles (ENIGMA)
Classification: Pathogenic for Breast-ovarian cancer, familial, susceptibility to, 2. Last evaluated: 2016-09-08. Review status: reviewed by expert panel. Criteria: ENIGMA BRCA1/2 Classification Criteria (2015). Collection method: curation. Allele origin: germline.
Comment: Variant allele predicted to encode a truncated non-functional protein.

Quest Diagnostics Nichols Institute San Juan Capistrano
Classification: Pathogenic. Last evaluated: 2025-06-16. Review status: criteria provided, single submitter. Criteria: Quest Diagnostics criteria. Collection method: clinical testing. Allele origin: unknown. Not counted in ClinVar's aggregate classification.
Comment: The BRCA2 c.1754del (p.Lys585Argfs*29) variant alters the translational reading frame of the BRCA2 mRNA and causes the premature termination of BRCA2 protein synthesis. This variant has been reported in the published literature in individuals with a personal and/or family history of breast and/or ovarian cancer (PMID: 26976419 (2016), 12161607 (2002)), including male breast cancer (PMID: 18042939 (2007)). This variant has not been reported in large, multi-ethnic general populations (Genome Aggregation Database). Based on the available information, this variant is classified as pathogenic.

Labcorp Genetics (formerly Invitae), Labcorp
Classification: Pathogenic for Hereditary breast ovarian cancer syndrome. Last evaluated: 2024-10-20. Review status: criteria provided, single submitter. Criteria: Invitae Variant Classification Sherloc (09022015). Collection method: clinical testing. Allele origin: germline. Not counted in ClinVar's aggregate classification.
Comment: This sequence change creates a premature translational stop signal (p.Lys585Argfs*29) in the BRCA2 gene. It is expected to result in an absent or disrupted protein product. Loss-of-function variants in BRCA2 are known to be pathogenic (PMID: 20104584). This variant is not present in population databases (gnomAD no frequency). This premature translational stop signal has been observed in individual(s) with hereditary breast and ovarian cancer and prostate cancer (PMID: 12161607, 18042939, 25476495, 25850536, 26681312, 26976419). This variant is also known as 1982delA. ClinVar contains an entry for this variant (Variation ID: 51184). For these reasons, this variant has been classified as Pathogenic.

Color Diagnostics, LLC DBA Color Health
Classification: Pathogenic for Hereditary cancer-predisposing syndrome. Last evaluated: 2024-04-30. Review status: criteria provided, single submitter. Criteria: ACMG Guidelines, 2015. Collection method: clinical testing. Allele origin: germline. Not counted in ClinVar's aggregate classification.
Comment: This variant deletes 1 nucleotide in exon 10 of the BRCA2 gene, creating a frameshift and premature translation stop signal. This variant is expected to result in an absent or non-functional protein product. This variant has been reported in individuals affected with breast, prostate, and bile duct cancer (PMID: 9667259, 12161607, 18042939, 26681312, 26976419) and in at least 11 suspected hereditary breast and ovarian cancer families (PMID: 16234499, 29446198). This variant has not been identified in the general population by the Genome Aggregation Database (gnomAD). Loss of BRCA2 function is a known mechanism of disease. Based on the available evidence, this variant is classified as Pathogenic.

Ambry Genetics
Classification: Pathogenic for Hereditary cancer-predisposing syndrome. Last evaluated: 2023-01-04. Review status: criteria provided, single submitter. Criteria: Ambry Variant Classification Scheme 2023. Collection method: clinical testing. Allele origin: germline. Not counted in ClinVar's aggregate classification.
Comment: The c.1754delA pathogenic mutation, located in coding exon 9 of the BRCA2 gene, results from a deletion of one nucleotide at nucleotide position 1754, causing a translational frameshift with a predicted alternate stop codon (p.K585Rfs*29). This mutation has been seen in multiple patients with personal and family histories of breast, ovarian, and/or prostate cancer (Kauff ND et al. J. Med. Genet. 2002 Aug;39(8):611-4; Lubinski J et al. Fam. Cancer 2004;3(1):1-10; Tai YC et al. J. Natl. Cancer Inst. 2007 Dec;99(23):1811-4; Rosenthal E et al. Breast Cancer Res. Treat. 2015 Jan;149(1):223-7; Susswein LR et al. Genet. Med. 2016 Aug;18(8):823-32; Bhaskaran SP et al. Int. J. Cancer. 2019 Jan). This alteration was also identified in a large, worldwide study of BRCA1/2 mutation positive families (Rebbeck TR et al. Hum. Mutat. 2018 05;39:593-620). In addition to the clinical data presented in the literature, this alteration is expected to result in loss of function by premature protein truncation or nonsense-mediated mRNA decay. As such, this alteration is interpreted as a disease-causing mutation.

Women's Health and Genetics/Laboratory Corporation of America, LabCorp
Classification: Pathogenic for Hereditary breast ovarian cancer syndrome. Last evaluated: 2021-09-04. Review status: criteria provided, single submitter. Criteria: LabCorp Variant Classification Summary - May 2015. Collection method: clinical testing. Allele origin: germline. Not counted in ClinVar's aggregate classification.
Comment: Variant summary: BRCA2 c.1754delA (p.Lys585ArgfsX29) results in a premature termination codon, predicted to cause a truncation of the encoded protein or absence of the protein due to nonsense mediated decay, which are commonly known mechanisms for disease. Truncations downstream of this position have been classified as pathogenic by our laboratory. The variant was absent in 249886 control chromosomes. c.1754delA has been reported in the literature in multiple individuals affected with Hereditary Breast And Ovarian Cancer Syndrome (example, Mandelker_2017, Tung_2016, Susswein_2015, Nanda_2005, Frank_1998). These data indicate that the variant is very likely to be associated with disease. Multiple clinical diagnostic laboratories and an expert panel (ENIGMA) have submitted clinical-significance assessments for this variant to ClinVar after 2014 without evidence for independent evaluation. All submitters classified the variant as pathogenic. Based on the evidence outlined above, the variant was classified as pathogenic.

GeneDx
Classification: Pathogenic. Last evaluated: 2017-09-29. Review status: criteria provided, single submitter. Criteria: GeneDx Variant Classification (06012015). Collection method: clinical testing. Allele origin: germline. Affected: yes. Not counted in ClinVar's aggregate classification.
Comment: This pathogenic variant is denoted BRCA2 c.1754delA at the cDNA level and p.Lys585ArgfsX29 (K585RfsX29) at the protein level. The normal sequence, with the base that is deleted in brackets, is GAAAA[A]GAAA. The deletion causes a frameshift, which changes a Lysine to an Arginine at codon 585, and creates a premature stop codon at position 29 of the new reading frame. This variant is predicted to cause loss of normal protein function through either protein truncation or nonsense-mediated mRNA decay. BRCA2 c.1754delA, previously reported as BRCA2 1982delA using alternate numbering, has been published as a disease causing variant in association with hereditary breast and/or ovarian cancer (Frank 1998, Kauff 2002, Lubinski 2004, Tai 2007). We therefore consider this variant to be pathogenic.

Baylor Genetics
Classification: Pathogenic for Familial cancer of breast. Last evaluated: 2017-02-23. Review status: criteria provided, single submitter. Criteria: ACMG Guidelines, 2015. Collection method: clinical testing. Allele origin: germline. Inheritance: Autosomal dominant inheritance. Affected: yes. Observed: 1 variant allele. Not counted in ClinVar's aggregate classification.

Consortium of Investigators of Modifiers of BRCA1/2 (CIMBA), c/o University of Cambridge
Classification: Pathogenic for Breast-ovarian cancer, familial, susceptibility to, 2. Last evaluated: 2015-10-02. Review status: criteria provided, single submitter. Criteria: CIMBA Mutation Classification guidelines May 2016. Collection method: clinical testing. Allele origin: germline. Not counted in ClinVar's aggregate classification.

Research Molecular Genetics Laboratory, Women's College Hospital, University of Toronto
Classification: Pathogenic for Hereditary breast ovarian cancer syndrome. Last evaluated: 2014-01-31. Review status: no assertion criteria provided. Collection method: research. Allele origin: germline. Affected: yes. Study: The Canadian Open Genetics Repository (COGR). Not counted in ClinVar's aggregate classification.

Sharing Clinical Reports Project (SCRP)
Classification: Pathogenic for Breast-ovarian cancer, familial 2. Last evaluated: 2011-02-14. Review status: no assertion criteria provided. Collection method: clinical testing. Allele origin: germline. Not counted in ClinVar's aggregate classification.

Breast Cancer Information Core (BIC) (BRCA2)
Classification: Pathogenic for Breast-ovarian cancer, familial 2. Last evaluated: 2002-05-29. Review status: no assertion criteria provided. Collection method: clinical testing. Allele origin: germline. Affected: yes. Observed: 5 variant alleles. Not counted in ClinVar's aggregate classification.

Literature cited by the submitters: PubMed 12161607 (cited by 4 submitters); PubMed 26976419 (cited by 4 submitters); PubMed 26681312 (cited by 4 submitters); PubMed 18042939 (cited by 4 submitters); PubMed 26295337 (cited by Quest Diagnostics Nichols Institute San Juan Capistrano); PubMed 20104584 (cited by Labcorp Genetics (formerly Invitae), Labcorp); PubMed 25476495 (cited by Labcorp Genetics (formerly Invitae), Labcorp and Ambry Genetics); PubMed 25850536 (cited by Labcorp Genetics (formerly Invitae), Labcorp); PubMed 9667259 (cited by Color Diagnostics, LLC DBA Color Health and Women's Health and Genetics/Laboratory Corporation of America, LabCorp); PubMed 16234499 (cited by Color Diagnostics, LLC DBA Color Health and Women's Health and Genetics/Laboratory Corporation of America, LabCorp); PubMed 29446198 (cited by Color Diagnostics, LLC DBA Color Health and Ambry Genetics); PubMed 30702160 (cited by Ambry Genetics); PubMed 28873162 (cited by Women's Health and Genetics/Laboratory Corporation of America, LabCorp).